The following is an entry in ClinVar:

GRCh37/hg19 11p15.4(chr11:9171515-9319515)x3

Genes: DENND5A (DENN domain containing 5A; minus strand), TMEM41B (transmembrane protein 41B; minus strand). Cytogenetic location: 11p15.4.
Variant type: copy number gain.
Change: copy number 3 (three copies instead of two) of chr11:9,171,515-9,319,515 (148.0 kb, GRCh37 coordinates, 1-based), cytogenetic band 11p15.4.
Identifiers: ClinVar variation 2579670 (VCV002579670.1).

ClinVar aggregate classification (germline): Uncertain significance (1 of 4 stars; one submission).

Conditions:
Developmental and epileptic encephalopathy, 49 (DEE49). Also called: Epileptic encephalopathy, early infantile, 49. Identifiers: MedGen C4310635, MONDO:0015002, OMIM 617281.

Submission:

Department of Human Genetics, Hannover Medical School
Classification: Uncertain significance for Developmental and epileptic encephalopathy, 49. Last evaluated: 2023-09-14. Review status: criteria provided, single submitter. Criteria: ACMG Guidelines, 2015. Collection method: clinical testing. Allele origin: germline. Affected: yes.
Comment: Riggs et al., 2020 (PMID 31690835): VUS (Criteria: 1A (0), 2G (0), 3A (0), 4D (-0,2), 5F (0); Sum: -0,2)